The following is an entry in ClinVar:

NM_001035.3(RYR2):c.12552G>A (p.Glu4184=)

Genes: RYR2 (ryanodine receptor 2; plus strand), LOC126806068 (BRD4-independent group 4 enhancer GRCh37_chr1:237947411-237948610; plus strand). Cytogenetic location: 1q43.
Variant type: single nucleotide variant.
Coding change: c.12552G>A on transcript NM_001035.3 (MANE Select); coding-DNA position 12552, G replaced by A.
Protein change: p.Glu4184=; no amino-acid change (glutamic acid 4184 retained).
Molecular consequence: synonymous variant.
Genome position (GRCh38, 1-based): chr1:237,784,264, G>A. VCF-style: chr1-237784264-G-A. GRCh37 (hg19) VCF-style: chr1-237947564-G-A.
Identifiers: ClinVar variation 1298463 (VCV001298463.44), dbSNP rs1300867476, ClinGen allele CA424032312.

ClinVar aggregate classification (germline): Likely benign. Review status: criteria provided, multiple submitters, no conflicts (2 of 4 stars). 5 submissions from 5 submitters: Likely benign (5). Last evaluated 2025-12-24.

Conditions:
Catecholaminergic polymorphic ventricular tachycardia 1. Also called: VENTRICULAR TACHYCARDIA, CATECHOLAMINERGIC POLYMORPHIC, 1, WITH OR WITHOUT ATRIAL DYSFUNCTION AND/OR DILATED CARDIOMYOPATHY; VENTRICULAR TACHYCARDIA, STRESS-INDUCED POLYMORPHIC 1; RYR2-Related Catecholaminergic Polymorphic Ventricular Tachycardia. Identifiers: Orphanet 3286, MedGen C1631597, MONDO:0011484, OMIM 604772.
Cardiovascular phenotype. Identifiers: MedGen CN230736.
Catecholaminergic polymorphic ventricular tachycardia (CVPT). Also called: Catecholamine-induced polymorphic ventricular tachycardia. Identifiers: Orphanet 3286, MedGen C5574922, MONDO:0017990.

Allele frequency attached by ClinVar (database versions not stated): gnomAD exomes below 0.00001 and 0.00001; TOPMed 0.00001; gnomAD 0.00002.
gnomAD v4.1: 15 of 1,613,862 alleles (0.00093%); highest among the groups gnomAD compares: Non-Finnish European, 0.0013%; no homozygotes.

Submissions (5):

Labcorp Genetics (formerly Invitae), Labcorp
Classification: Likely benign for Catecholaminergic polymorphic ventricular tachycardia 1. Last evaluated: 2025-12-24. Review status: criteria provided, single submitter. Criteria: Invitae Variant Classification Sherloc (09022015). Collection method: clinical testing. Allele origin: germline.

All of Us Research Program, National Institutes of Health
Classification: Likely benign for Catecholaminergic polymorphic ventricular tachycardia. Last evaluated: 2024-08-06. Review status: criteria provided, single submitter. Criteria: ACMG Guidelines, 2015. Collection method: clinical testing. Allele origin: germline. Inheritance: Autosomal dominant inheritance. Observed: 6 variant alleles, 6 heterozygotes.
Comment: This study involves interpretation of variants in research participants for the purpose of population health screening. Participant phenotype was not available at the time of variant classification. Additional details can be found in publication PMID: 35346344, PMCID: PMC8962531

CeGaT Center for Human Genetics Tuebingen
Classification: Likely benign. Last evaluated: 2021-07-01. Review status: criteria provided, single submitter. Criteria: CeGaT Center For Human Genetics Tuebingen Variant Classification Criteria Version 2. Collection method: clinical testing. Allele origin: germline. Affected: yes. Observed: 1 variant allele.

Ambry Genetics
Classification: Likely benign for Cardiovascular phenotype. Last evaluated: 2020-11-22. Review status: criteria provided, single submitter. Criteria: Ambry Variant Classification Scheme 2023. Collection method: clinical testing. Allele origin: germline.

Blueprint Genetics
Classification: Likely benign. Last evaluated: 2020-03-17. Review status: criteria provided, single submitter. Criteria: ACMG Guidelines, 2015. Collection method: clinical testing. Allele origin: germline.